The following is an entry in ClinVar:

NM_000878.5(IL2RB):c.620A>G (p.Gln207Arg)

Gene: IL2RB (interleukin 2 receptor subunit beta; minus strand). Cytogenetic location: 22q12.3.
Variant type: single nucleotide variant.
Coding change: c.620A>G on transcript NM_000878.5 (MANE Select); coding-DNA position 620, A replaced by G.
Protein change: p.Gln207Arg; replaces glutamine 207 with arginine.
Molecular consequence: missense variant.
Genome position (GRCh38, 1-based): chr22:37,136,311, T>C on the plus strand (A>G on the coding strand, the complement: IL2RB is on the minus strand). VCF-style: chr22-37136311-T-C. GRCh37 (hg19) VCF-style: chr22-37532351-T-C.
Other names: c.620A>G, p.Gln207Arg (NM_001346222.1, NM_001346223.2); short protein forms Q207R.
Identifiers: ClinVar variation 4711317 (VCV004711317.1).

ClinVar aggregate classification (germline): Uncertain significance (1 of 4 stars; one submission).

Submission:

Labcorp Genetics (formerly Invitae), Labcorp
Classification: Uncertain significance. Last evaluated: 2025-12-21. Review status: criteria provided, single submitter. Criteria: Invitae Variant Classification Sherloc (09022015). Collection method: clinical testing. Allele origin: germline.
Comment: This sequence change replaces glutamine, which is neutral and polar, with arginine, which is basic and polar, at codon 207 of the IL2RB protein (p.Gln207Arg). This variant is not present in population databases (gnomAD no frequency). This variant has not been reported in the literature in individuals affected with IL2RB-related conditions. An algorithm developed to predict the effect of missense changes on protein structure and function outputs the following: PolyPhen-2: "Benign". The arginine amino acid residue is found in multiple mammalian species, which suggests that this missense change does not adversely affect protein function. In summary, the available evidence is currently insufficient to determine the role of this variant in disease. Therefore, it has been classified as a Variant of Uncertain Significance.